The following is an entry in ClinVar:

ClinVar aggregate classification (germline): Uncertain significance (1 of 4 stars; one submission).

Submission:

GeneDx
Classification: Uncertain significance. Last evaluated: 2024-04-02. Review status: criteria provided, single submitter. Criteria: GeneDx Variant Classification Process June 2021. Collection method: clinical testing. Allele origin: germline. Affected: yes.
Comment: Not observed at significant frequency in large population cohorts (gnomAD); In silico analysis supports that this missense variant does not alter protein structure/function; Has not been previously published as pathogenic or benign to our knowledge.

NM_052867.4(NALCN):c.474C>G (p.Phe158Leu)

Gene: NALCN (sodium leak channel, non-selective; minus strand). Cytogenetic location: 13q33.1.
Variant type: single nucleotide variant.
Coding change: c.474C>G on transcript NM_052867.4 (MANE Select); coding-DNA position 474, C replaced by G.
Protein change: p.Phe158Leu; replaces phenylalanine 158 with leucine.
Molecular consequence: missense variant.
Genome position (GRCh38, 1-based): chr13:101,376,958, G>C on the plus strand (C>G on the coding strand, the complement: NALCN is on the minus strand). VCF-style: chr13-101376958-G-C. GRCh37 (hg19) VCF-style: chr13-102029309-G-C.
Other names: c.474C>G, p.Phe158Leu (NM_001350748.2, NM_001350749.2, NM_001350750.2 and 1 more transcripts); short protein forms F158L.
Identifiers: ClinVar variation 3371402 (VCV003371402.1).
Genomic context (GRCh38, chr13:101,376,958, plus strand): 5'-ATTGTAAAGCAGCGCTCACTTTAAAATATTTGTAATTCTGGTCCTTGGCAGTTCAAATCG[G>C]AAATAAATCCGGAATGCTCGGATCATAATCAGTGGCCGTGGAATCCGCAACATGCCCCAA-3'
Protein context (NP_443099.1, residues 148-168): LIMIRAFRIY[Phe158Leu]RFELPRTRIT